The following is an entry in ClinVar:

ClinVar aggregate classification (germline): Uncertain significance (1 of 4 stars; one submission).

Submission:

Ambry Genetics
Classification: Uncertain significance. Last evaluated: 2024-01-19. Review status: criteria provided, single submitter. Criteria: Ambry Variant Classification Scheme 2023. Collection method: clinical testing. Allele origin: germline.
Comment: The p.G291D variant (also known as c.872G>A), located in coding exon 8 of the RAD54L gene, results from a G to A substitution at nucleotide position 872. The glycine at codon 291 is replaced by aspartic acid, an amino acid with similar properties. This amino acid position is conserved. In addition, this alteration is predicted to be deleterious by in silico analysis. Based on the available evidence, the clinical significance of this alteration remains unclear.

NM_003579.4(RAD54L):c.872G>A (p.Gly291Asp)

Gene: RAD54L (RAD54 like; plus strand). Cytogenetic location: 1p34.1.
Variant type: single nucleotide variant.
Coding change: c.872G>A on transcript NM_003579.4 (MANE Select); coding-DNA position 872, G replaced by A.
Protein change: p.Gly291Asp; replaces glycine 291 with aspartic acid.
Molecular consequence: missense variant.
Genome position (GRCh38, 1-based): chr1:46,261,366, G>A. VCF-style: chr1-46261366-G-A. GRCh37 (hg19) VCF-style: chr1-46727038-G-A.
Other names: c.872G>A, p.Gly291Asp (NM_001142548.2); c.332G>A, p.Gly111Asp (NM_001370766.1); short protein forms G111D, G291D.
Identifiers: ClinVar variation 3223467 (VCV003223467.1), dbSNP rs2148289382, ClinGen allele CA340189434.